The following is an entry in ClinVar:

NM_001958.5(EEF1A2):c.318A>G (p.Thr106=)

Gene: EEF1A2 (eukaryotic translation elongation factor 1 alpha 2; minus strand). Cytogenetic location: 20q13.33.
Variant type: single nucleotide variant.
Coding change: c.318A>G on transcript NM_001958.5 (MANE Select); coding-DNA position 318, A replaced by G.
Protein change: p.Thr106=; no amino-acid change (threonine 106 retained).
Molecular consequence: synonymous variant.
Genome position (GRCh38, 1-based): chr20:63,495,862, T>C on the plus strand (A>G on the coding strand, the complement: EEF1A2 is on the minus strand). VCF-style: chr20-63495862-T-C. GRCh37 (hg19) VCF-style: chr20-62127215-T-C.
Identifiers: ClinVar variation 3700481 (VCV003700481.2).

ClinVar aggregate classification (germline): Uncertain significance (1 of 4 stars; one submission).

Conditions:
Developmental and epileptic encephalopathy, 33 (DEE33). Also called: Epileptic encephalopathy, early infantile, 33. Identifiers: Orphanet 442835, MedGen C4225337, MONDO:0014625, OMIM 616409.

Submission:

Labcorp Genetics (formerly Invitae), Labcorp
Classification: Uncertain significance for Developmental and epileptic encephalopathy, 33. Last evaluated: 2025-02-09. Review status: criteria provided, single submitter. Criteria: Invitae Variant Classification Sherloc (09022015). Collection method: clinical testing. Allele origin: germline.
Comment: This sequence change affects codon 106 of the EEF1A2 mRNA. It is a 'silent' change, meaning that it does not change the encoded amino acid sequence of the EEF1A2 protein. This variant is not present in population databases (gnomAD no frequency). This variant has not been reported in the literature in individuals affected with EEF1A2-related conditions. Algorithms developed to predict the effect of sequence changes on RNA splicing suggest that this variant may create or strengthen a splice site. In summary, the available evidence is currently insufficient to determine the role of this variant in disease. Therefore, it has been classified as a Variant of Uncertain Significance.